The following is an entry in ClinVar:

ClinVar aggregate classification (germline): Pathogenic. Review status: criteria provided, multiple submitters, no conflicts (2 of 4 stars). 2 submissions from 2 submitters: Pathogenic (2). Last evaluated 2024-02-06.

Conditions:
Hereditary cancer-predisposing syndrome. Also called: Neoplastic Syndromes, Hereditary; Hereditary Cancer Syndrome; Tumor predisposition; Hereditary neoplastic syndrome. Identifiers: Orphanet 140162, MedGen C0027672, MeSH D009386, MONDO:0015356.
Familial cancer of breast. Also called: Hereditary breast cancer; BREAST CANCER, FAMILIAL; hereditary breast carcinoma. Identifiers: Orphanet 227535, MedGen C0346153, MONDO:0016419, OMIM 114480. Disease mechanism: loss of function.

Submissions (2):

Myriad Genetics, Inc.
Classification: Pathogenic for Familial cancer of breast. Last evaluated: 2024-02-06. Review status: criteria provided, single submitter. Criteria: Myriad Autosomal Dominant, Autosomal Recessive and X-Linked Classification Criteria (2023). Collection method: clinical testing. Allele origin: unknown.
Comment: This variant is considered pathogenic. This variant creates a termination codon and is predicted to result in premature protein truncation.

Ambry Genetics
Classification: Pathogenic for Hereditary cancer-predisposing syndrome. Last evaluated: 2016-06-17. Review status: criteria provided, single submitter. Criteria: Ambry Variant Classification Scheme 2023. Collection method: clinical testing. Allele origin: germline.
Comment: The p.D2959* pathogenic mutation (also known as c.8874dupT), located in coding exon 61 of the ATM gene, results from the duplication of a single nucleotide at position 8874. This changes the amino acid from an aspartate to a stop codon within coding exon 61. Since premature stop codons are typically deleterious in nature, this alteration is interpreted as a disease-causing mutation (ACMG Recommendations for Standards for Interpretation and Reporting of Sequence Variations. Revision 2007. Genet Med. 2008;10:294).

NM_000051.4(ATM):c.8874dup (p.Asp2959Ter)

Genes: ATM (ATM serine/threonine kinase; plus strand), C11orf65 (chromosome 11 open reading frame 65; minus strand). Cytogenetic location: 11q22.3.
Variant type: Duplication.
Coding change: c.8874dup on transcript NM_000051.4 (MANE Select); coding-DNA position 8874, one base duplicated (T; older notation c.8874dupT).
Protein change: p.Asp2959Ter; replaces aspartic acid 2959 with a stop codon.
Molecular consequence: nonsense. On other transcripts: frameshift variant (1), intron variant (2).
Genome position (GRCh38, 1-based): chr11:108,365,105, T duplicated; the last of 3 consecutive T bases (chr11:108,365,103-108,365,105); duplicating any one gives the same sequence. VCF-style (leftmost placement, unchanged base first): chr11-108365102-C-CT. GRCh37 (hg19) VCF-style: chr11-108235829-C-CT.
Other names: c.8874dupT (NM_000051.3); c.8874dup, p.Asp2959Ter (NM_001351834.2); c.640+20817dup (NM_001330368.2); c.694+20817dup (NM_001351110.2); short protein forms D2959*.
Identifiers: ClinVar variation 481261 (VCV000481261.7), dbSNP rs864622669, ClinGen allele CA658656275.